The following is an entry in ClinVar:

NM_032043.3(BRIP1):c.2894G>T (p.Arg965Ile)

Gene: BRIP1 (BRCA1 interacting DNA helicase 1; minus strand). Cytogenetic location: 17q23.2.
Variant type: single nucleotide variant.
Coding change: c.2894G>T on transcript NM_032043.3 (MANE Select); coding-DNA position 2894, G replaced by T.
Protein change: p.Arg965Ile; replaces arginine 965 with isoleucine.
Molecular consequence: missense variant.
Genome position (GRCh38, 1-based): chr17:61,685,847, C>A on the plus strand (G>T on the coding strand, the complement: BRIP1 is on the minus strand). VCF-style: chr17-61685847-C-A. GRCh37 (hg19) VCF-style: chr17-59763208-C-A.
Other names: short protein forms R965I.
Identifiers: ClinVar variation 2564581 (VCV002564581.2), dbSNP rs2061351932, ClinGen allele CA400481143.

ClinVar aggregate classification (germline): Uncertain significance (1 of 4 stars; one submission).

Conditions:
Hereditary cancer-predisposing syndrome. Also called: Neoplastic Syndromes, Hereditary; Hereditary Cancer Syndrome; Hereditary neoplastic syndrome; Tumor predisposition. Identifiers: Orphanet 140162, MedGen C0027672, MeSH D009386, MONDO:0015356.

Submission:

Ambry Genetics
Classification: Uncertain significance for Hereditary cancer-predisposing syndrome. Last evaluated: 2023-03-23. Review status: criteria provided, single submitter. Criteria: Ambry Variant Classification Scheme 2023. Collection method: clinical testing. Allele origin: germline.
Comment: The p.R965I variant (also known as c.2894G>T), located in coding exon 18 of the BRIP1 gene, results from a G to T substitution at nucleotide position 2894. The arginine at codon 965 is replaced by isoleucine, an amino acid with similar properties. This amino acid position is conserved. In addition, this alteration is predicted to be tolerated by in silico analysis. Since supporting evidence is limited at this time, the clinical significance of this alteration remains unclear.